The following is an entry in ClinVar:

NM_017565.4(FAM20A):c.404+2T>G

Gene: FAM20A (FAM20A golgi associated secretory pathway pseudokinase; minus strand). Cytogenetic location: 17q24.2.
Variant type: single nucleotide variant.
Coding change: c.404+2T>G on transcript NM_017565.4 (MANE Select); the canonical splice donor site of the intron after coding-DNA position 404, T replaced by G.
Molecular consequence: splice donor variant.
Genome position (GRCh38, 1-based): chr17:68,600,261, A>C on the plus strand (T>G on the coding strand, the complement: FAM20A is on the minus strand). VCF-style: chr17-68600261-A-C. GRCh37 (hg19) VCF-style: chr17-66596402-A-C.
Other names: c.-237+2T>G (NM_001243746.2).
Identifiers: ClinVar variation 1066256 (VCV001066256.7), dbSNP rs2143962532, ClinGen allele CA400807529.
Genomic context (GRCh38, chr17:68,600,261, plus strand): 5'-TGGGGCGCGGGGAGGCCCCGGCCAGAGCGCCCGCTCTCCCGCGTCCCGGGCGGGGTCCTC[A>C]CCTGTTCCAGCGGGCCACCTTCCTCCGGTAATACCGCAGCGCCTCCTGGCTGGCCAGGAG-3'

ClinVar aggregate classification (germline): Likely pathogenic (1 of 4 stars; one submission).

Submission:

Labcorp Genetics (formerly Invitae), Labcorp
Classification: Likely pathogenic. Last evaluated: 2017-09-12. Review status: criteria provided, single submitter. Criteria: Invitae Variant Classification Sherloc (09022015). Collection method: clinical testing. Allele origin: germline.
Comment: This sequence change affects a donor splice site in intron 1 of the FAM20A gene. It is expected to disrupt RNA splicing and likely results in an absent or disrupted protein product. While this variant is not present in population databases, the frequency information is unreliable, as metrics indicate poor data quality at this position in the ExAC database. This variant has not been reported in the literature in individuals with FAM20A-related disease. Algorithms developed to predict the effect of sequence changes on RNA splicing suggest that this variant may disrupt the consensus splice site, but this prediction has not been confirmed by published transcriptional studies. Donor and acceptor splice site variants typically lead to a loss of protein function (PMID: 16199547), and loss-of-function variants in FAM20A are known to be pathogenic (PMID: 21990045, 23434854). In summary, the currently available evidence indicates that the variant is pathogenic, but additional data are needed to prove that conclusively. Therefore, this variant has been classified as Likely Pathogenic.

Literature cited by the submitters: PubMed 16199547; PubMed 21990045; PubMed 23434854.